The following is an entry in ClinVar:

ClinVar aggregate classification (germline): Likely benign (1 of 4 stars; one submission).

gnomAD v4.1: 515 of 1,613,672 alleles (0.032%); highest among the groups gnomAD compares: Admixed American, 0.043%; no homozygotes.

Submission:

CeGaT Center for Human Genetics Tuebingen
Classification: Likely benign. Last evaluated: 2025-09-01. Review status: criteria provided, single submitter. Criteria: CeGaT Center For Human Genetics Tuebingen Variant Classification Criteria Version 2. Collection method: clinical testing. Allele origin: germline. Affected: yes. Observed: 1 variant allele.
Comment: RALGAPA2: BP4, BP7

NM_020343.4(RALGAPA2):c.3813C>T (p.Pro1271=)

Gene: RALGAPA2 (Ral GTPase activating protein catalytic subunit alpha 2; minus strand). Cytogenetic location: 20p11.23.
Variant type: single nucleotide variant.
Coding change: c.3813C>T on transcript NM_020343.4 (MANE Select); coding-DNA position 3813, C replaced by T.
Protein change: p.Pro1271=; no amino-acid change (proline 1271 retained).
Molecular consequence: synonymous variant.
Genome position (GRCh38, 1-based): chr20:20,524,493, G>A on the plus strand (C>T on the coding strand, the complement: RALGAPA2 is on the minus strand). VCF-style: chr20-20524493-G-A. GRCh37 (hg19) VCF-style: chr20-20505137-G-A.
Identifiers: ClinVar variation 4280914 (VCV004280914.7).
Genomic context (GRCh38, chr20:20,524,493, plus strand): 5'-TCTGGCCGAATGCTGCTCCTCTAGGACTGCTGTGGACACGGGGTGGAGAAGGACACTCAC[G>A]GGCAATGCCATGCACCAGTCCAAGAGGCAGAGTAGCAAGGACACAATAAACTGGAAGAAG-3'
Protein context (NP_065076.2, residues 1261-1281): LCLLDWCMAL[Pro1271=]VSVLLHPVST